The following is an entry in ClinVar:

NM_031892.3(SH3KBP1):c.1334C>G (p.Ser445Trp)

Gene: SH3KBP1 (SH3 domain containing kinase binding protein 1; minus strand). Cytogenetic location: Xp22.12.
Variant type: single nucleotide variant.
Coding change: c.1334C>G on transcript NM_031892.3 (MANE Select); coding-DNA position 1334, C replaced by G.
Protein change: p.Ser445Trp; replaces serine 445 with tryptophan.
Molecular consequence: missense variant.
Genome position (GRCh38, 1-based): chrX:19,569,153, G>C on the plus strand (C>G on the coding strand, the complement: SH3KBP1 is on the minus strand). VCF-style: chrX-19569153-G-C. GRCh37 (hg19) VCF-style: chrX-19587271-G-C.
Other names: c.1223C>G, p.Ser408Trp (NM_001024666.3); c.620C>G, p.Ser207Trp (NM_001184960.2, NM_001353897.2); c.1334C>G, p.Ser445Trp (NM_001353890.2); c.1409C>G, p.Ser470Trp (NM_001353891.2, NM_001353892.2); c.1232C>G, p.Ser411Trp (NM_001353893.2, NM_001353894.2); c.1289C>G, p.Ser430Trp (NM_001353895.2); c.1466C>G, p.Ser489Trp (NM_001410756.1, NM_001410757.1); c.1157C>G, p.Ser386Trp (NM_001410758.1); short protein forms S207W, S386W, S408W, S411W, S430W, S445W, S470W, S489W.
Identifiers: ClinVar variation 3067680 (VCV003067680.21), dbSNP rs199599962, ClinGen allele CA412498212.
Genomic context (GRCh38, chrX:19,569,153, plus strand): 5'-CCTTACTCACCAATGTCATTGCTGCGGTCCGAGAGATCTTTGTCCAGGATGCCAGATAGC[G>C]AACTGCCGGCCAAGTCAATCTTTGGACTGTCACCCCTACATTAAAAACACAAGCCCAGAC-3'
Protein context (NP_114098.1, residues 435-455): DSPKIDLAGS[Ser445Trp]LSGILDKDLS

ClinVar aggregate classification (germline): Uncertain significance (1 of 4 stars; one submission).

Submission:

CeGaT Center for Human Genetics Tuebingen
Classification: Uncertain significance. Last evaluated: 2024-03-01. Review status: criteria provided, single submitter. Criteria: CeGaT Center For Human Genetics Tuebingen Variant Classification Criteria Version 2. Collection method: clinical testing. Allele origin: germline. Affected: yes. Observed: 1 variant allele.
Comment: SH3KBP1: PM2, BP4